The following is an entry in ClinVar:

NM_001112741.2(KCNC1):c.1591G>A (p.Gly531Ser)

Gene: KCNC1 (potassium voltage-gated channel subfamily C member 1; plus strand). Cytogenetic location: 11p15.1.
Variant type: single nucleotide variant.
Coding change: c.1591G>A on transcript NM_001112741.2 (MANE Select); coding-DNA position 1591, G replaced by A.
Protein change: p.Gly531Ser; replaces glycine 531 with serine.
Molecular consequence: missense variant.
Genome position (GRCh38, 1-based): chr11:17,779,542, G>A. VCF-style: chr11-17779542-G-A. GRCh37 (hg19) VCF-style: chr11-17801089-G-A.
Other names: short protein forms G531S.
Identifiers: ClinVar variation 2849114 (VCV002849114.3), dbSNP rs1445590934, ClinGen allele CA379814288.

ClinVar aggregate classification (germline): Uncertain significance (1 of 4 stars; one submission).

Conditions:
Progressive myoclonic epilepsy type 7. Identifiers: Orphanet 435438, MedGen C4015420, MONDO:0014521, OMIM 616187.

Allele frequency attached by ClinVar (database versions not stated): TOPMed below 0.00001.

Submission:

Labcorp Genetics (formerly Invitae), Labcorp
Classification: Uncertain significance for Progressive myoclonic epilepsy type 7. Last evaluated: 2025-10-08. Review status: criteria provided, single submitter. Criteria: Invitae Variant Classification Sherloc (09022015). Collection method: clinical testing. Allele origin: germline.
Comment: This sequence change replaces glycine, which is neutral and non-polar, with serine, which is neutral and polar, at codon 531 of the KCNC1 protein (p.Gly531Ser). This variant is not present in population databases (gnomAD no frequency). This missense change has been observed in individual(s) with clinical features of KCNC1-related conditions (PMID: 33057194, 35982159). ClinVar contains an entry for this variant (Variation ID: 2849114). An algorithm developed to predict the effect of missense changes on protein structure and function (PolyPhen-2) suggests that this variant is likely to be tolerated. In summary, the available evidence is currently insufficient to determine the role of this variant in disease. Therefore, it has been classified as a Variant of Uncertain Significance.

Literature cited by the submitters: PubMed 33057194; PubMed 35982159.